The following is an entry in ClinVar:

NM_020247.5(COQ8A):c.87C>G (p.His29Gln)

Gene: COQ8A (coenzyme Q8A; plus strand). Cytogenetic location: 1q42.13.
Variant type: single nucleotide variant.
Coding change: c.87C>G on transcript NM_020247.5 (MANE Select); coding-DNA position 87, C replaced by G.
Protein change: p.His29Gln; replaces histidine 29 with glutamine.
Molecular consequence: missense variant.
Genome position (GRCh38, 1-based): chr1:226,961,472, C>G. VCF-style: chr1-226961472-C-G. GRCh37 (hg19) VCF-style: chr1-227149173-C-G.
Other names: short protein forms H29Q.
Identifiers: ClinVar variation 2136062 (VCV002136062.1), dbSNP rs2528231325, ClinGen allele CA345049616.
Genomic context (GRCh38, chr1:226,961,472, plus strand): 5'-CATGGTGGCTAAAGGCCTTGTCAAGCTGACCCAGGCGGCCGTGGAAACCCACCTGCAGCA[C>G]TTGGGCATCGGAGGGGAGCTGATCATGGCGGCCAGGGCCCTGCAGTCCACGGCTGTGGAG-3'
Protein context (NP_064632.2, residues 19-39): TQAAVETHLQ[His29Gln]LGIGGELIMA

ClinVar aggregate classification (germline): Uncertain significance (1 of 4 stars; one submission).

Allele frequency attached by ClinVar (database versions not stated): gnomAD exomes below 0.00001.
gnomAD v4.1: 2 of 1,613,884 alleles (0.00012%); highest among the groups gnomAD compares: Non-Finnish European, 0.00017%; no homozygotes.

Submission:

GeneDx
Classification: Uncertain significance. Last evaluated: 2022-07-20. Review status: criteria provided, single submitter. Criteria: GeneDx Variant Classification Process June 2021. Collection method: clinical testing. Allele origin: germline. Affected: yes.
Comment: Not observed at significant frequency in large population cohorts (gnomAD); In silico analysis supports that this missense variant does not alter protein structure/function; Has not been previously published as pathogenic or benign to our knowledge